The following is an entry in ClinVar:

NM_001382567.1(STIM1):c.776A>G (p.His259Arg)

Gene: STIM1 (stromal interaction molecule 1; plus strand). Cytogenetic location: 11p15.4.
Variant type: single nucleotide variant.
Coding change: c.776A>G on transcript NM_001382567.1 (MANE Select); coding-DNA position 776, A replaced by G.
Protein change: p.His259Arg; replaces histidine 259 with arginine.
Molecular consequence: missense variant. On other transcripts: non-coding transcript variant (2).
Genome position (GRCh38, 1-based): chr11:4,070,188, A>G. VCF-style: chr11-4070188-A-G. GRCh37 (hg19) VCF-style: chr11-4091418-A-G.
Other names: c.776A>G, p.His259Arg (NM_001277961.3, NM_001277962.2, NM_003156.4 and 2 more transcripts); c.554A>G, p.His185Arg (NM_001382576.1, NM_001382577.1, NM_001382578.1 and 5 more transcripts); c.287A>G, p.His96Arg (NM_001382580.1, NM_001382581.1); c.641A>G, p.His214Arg (NM_001382569.1); c.548A>G, p.His183Arg (NM_001382570.1); c.296A>G, p.His99Arg (NM_001382571.1); short protein forms H185R, H214R, H99R, H259R, H96R, H183R.
Identifiers: ClinVar variation 1485797 (VCV001485797.8), dbSNP rs1359363776, ClinGen allele CA379189358.

ClinVar aggregate classification (germline): Uncertain significance (1 of 4 stars; one submission).

Conditions:
Myopathy with tubular aggregates (TAM). Also called: Tubular Aggregate Myopathy. Identifiers: Orphanet 2593, MedGen C0410207, MONDO:0008051.
Stormorken syndrome (STRMK). Also called: THROMBOCYTOPATHY, ASPLENIA, AND MIOSIS. Identifiers: Orphanet 3204, MedGen C1861451, MONDO:0008497, OMIM 185070.
Combined immunodeficiency due to STIM1 deficiency. Also called: STIM1 DEFICIENCY; IMMUNODEFICIENCY 10. Identifiers: Orphanet 169090, Orphanet 317430, MedGen C2748557, MONDO:0013008, OMIM 612783.

Allele frequency attached by ClinVar (database versions not stated): TOPMed below 0.00001.

Submission:

Labcorp Genetics (formerly Invitae), Labcorp
Classification: Uncertain significance for Myopathy with tubular aggregates; Combined immunodeficiency due to STIM1 deficiency; Stormorken syndrome. Last evaluated: 2023-10-03. Review status: criteria provided, single submitter. Criteria: Invitae Variant Classification Sherloc (09022015). Collection method: clinical testing. Allele origin: germline.
Comment: This sequence change replaces histidine, which is basic and polar, with arginine, which is basic and polar, at codon 259 of the STIM1 protein (p.His259Arg). This variant is not present in population databases (gnomAD no frequency). This variant has not been reported in the literature in individuals affected with STIM1-related conditions. ClinVar contains an entry for this variant (Variation ID: 1485797). Advanced modeling of protein sequence and biophysical properties (such as structural, functional, and spatial information, amino acid conservation, physicochemical variation, residue mobility, and thermodynamic stability) has been performed at Invitae for this missense variant, however the output from this modeling did not meet the statistical confidence thresholds required to predict the impact of this variant on STIM1 protein function. In summary, the available evidence is currently insufficient to determine the role of this variant in disease. Therefore, it has been classified as a Variant of Uncertain Significance.